The following is an entry in ClinVar:

NM_032119.4(ADGRV1):c.2389C>T (p.His797Tyr)

Gene: ADGRV1 (adhesion G protein-coupled receptor V1; plus strand). Cytogenetic location: 5q14.3.
Variant type: single nucleotide variant.
Coding change: c.2389C>T on transcript NM_032119.4 (MANE Select); coding-DNA position 2389, C replaced by T.
Protein change: p.His797Tyr; replaces histidine 797 with tyrosine.
Molecular consequence: missense variant. On other transcripts: non-coding transcript variant (1).
Genome position (GRCh38, 1-based): chr5:90,642,877, C>T. VCF-style: chr5-90642877-C-T. GRCh37 (hg19) VCF-style: chr5-89938694-C-T.
Other names: short protein forms H797Y.
Identifiers: ClinVar variation 1488606 (VCV001488606.5), dbSNP rs1480888146, ClinGen allele CA360387739.

ClinVar aggregate classification (germline): Uncertain significance (1 of 4 stars; one submission).

Allele frequency attached by ClinVar (database versions not stated): gnomAD exomes below 0.00001.
gnomAD v4.1: 1 of 1,607,980 alleles (0.000062%); highest among the groups gnomAD compares: Admixed American, 0.0017%; no homozygotes.

Submission:

Labcorp Genetics (formerly Invitae), Labcorp
Classification: Uncertain significance. Last evaluated: 2022-06-20. Review status: criteria provided, single submitter. Criteria: Invitae Variant Classification Sherloc (09022015). Collection method: clinical testing. Allele origin: germline.
Comment: This sequence change replaces histidine, which is basic and polar, with tyrosine, which is neutral and polar, at codon 797 of the ADGRV1 protein (p.His797Tyr). This variant is present in population databases (no rsID available, gnomAD 0.003%). This variant has not been reported in the literature in individuals affected with ADGRV1-related conditions. Algorithms developed to predict the effect of missense changes on protein structure and function are either unavailable or do not agree on the potential impact of this missense change (SIFT: "Deleterious"; PolyPhen-2: "Benign"; Align-GVGD: "Class C0"). In summary, the available evidence is currently insufficient to determine the role of this variant in disease. Therefore, it has been classified as a Variant of Uncertain Significance.